The following is an entry in ClinVar:

NM_001077620.3(PRCD):c.49C>T (p.Arg17Cys)

Genes: CYGB (cytoglobin; minus strand), PRCD (photoreceptor disc component; plus strand). Cytogenetic location: 17q25.1.
Variant type: single nucleotide variant.
Coding change: c.49C>T on transcript NM_001077620.3 (MANE Select); coding-DNA position 49, C replaced by T.
Protein change: p.Arg17Cys; replaces arginine 17 with cysteine.
Molecular consequence: missense variant.
Genome position (GRCh38, 1-based): chr17:76,540,190, C>T. VCF-style: chr17-76540190-C-T. GRCh37 (hg19) VCF-style: chr17-74536272-C-T.
Other names: short protein forms R17C.
Identifiers: ClinVar variation 325472 (VCV000325472.34), dbSNP rs375181336, ClinGen allele CA8787804.

ClinVar aggregate classification (germline): Benign/Likely benign. Review status: criteria provided, multiple submitters, no conflicts (2 of 4 stars). 5 submissions from 5 submitters: Benign (2); Likely benign (1). 2 of the submissions do not count toward it. Last evaluated 2026-02-02.

Conditions:
Retinitis pigmentosa (RP). Identifiers: Orphanet 791, MedGen C0035334, MeSH D012174, MONDO:0019200, OMIM 268000. Inheritance: Autosomal dominant, autosomal recessive and X linked inheritance.

Allele frequency attached by ClinVar (database versions not stated): gnomAD 0.00001 and 0.00080; ESP Exome Variant Server 0.00008; TOPMed 0.00016; gnomAD exomes 0.00142 and 0.00283; 1000 Genomes Project 30x 0.00406; ExAC 0.00459; 1000 Genomes Project 0.00499.
gnomAD v4.1: 2,171 of 1,603,082 alleles (0.14%); highest among the groups gnomAD compares: South Asian, 2.3%; 45 homozygotes.

Submissions (5):

Labcorp Genetics (formerly Invitae), Labcorp
Classification: Benign. Last evaluated: 2026-02-02. Review status: criteria provided, single submitter. Criteria: Invitae Variant Classification Sherloc (09022015). Collection method: clinical testing. Allele origin: germline.

CeGaT Center for Human Genetics Tuebingen
Classification: Benign. Last evaluated: 2024-06-01. Review status: criteria provided, single submitter. Criteria: CeGaT Center For Human Genetics Tuebingen Variant Classification Criteria Version 2. Collection method: clinical testing. Allele origin: germline. Affected: yes. Observed: 1 variant allele.
Comment: PRCD: BS1, BS2

Illumina Laboratory Services, Illumina
Classification: Likely benign for Retinitis pigmentosa. Last evaluated: 2018-01-13. Review status: criteria provided, single submitter. Criteria: ICSL Variant Classification Criteria 13 December 2019. Collection method: clinical testing. Allele origin: germline.
Comment: This variant was observed in the ICSL laboratory as part of a predisposition screen in an ostensibly healthy population. It had not been previously curated by ICSL or reported in the Human Gene Mutation Database (HGMD: prior to June 1st, 2018), and was therefore a candidate for classification through an automated scoring system. Utilizing variant allele frequency, disease prevalence and penetrance estimates, and inheritance mode, an automated score was calculated to assess if this variant is too frequent to cause the disease. Based on the score and internal cut-off values, a variant classified as likely benign is not then subjected to further curation. The score for this variant resulted in a classification of likely benign for this disease.

Clinical Genetics DNA and cytogenetics Diagnostics Lab, Erasmus MC, Erasmus Medical Center
Classification: Benign. Review status: no assertion criteria provided. Collection method: clinical testing. Allele origin: germline. Affected: yes. Study: VKGL Data-share Consensus. Not counted in ClinVar's aggregate classification.

Clinical Genetics, Academic Medical Center
Classification: Benign. Review status: no assertion criteria provided. Collection method: clinical testing. Allele origin: germline. Affected: yes. Study: VKGL Data-share Consensus. Not counted in ClinVar's aggregate classification.